The following is an entry in ClinVar:

ClinVar aggregate classification (germline): Pathogenic (1 of 4 stars; one submission).

Conditions:
Orofacial cleft 6, susceptibility to (OFC6). Also called: CLEFT LIP WITH OR WITHOUT CLEFT PALATE, NONSYNDROMIC, 6. Identifiers: MedGen C1837213, MONDO:0012141, OMIM 608864.
Popliteal pterygium syndrome (PPS). Identifiers: Orphanet 294963, MedGen C0265259, MONDO:0017435.
Van der Woude syndrome. Identifiers: Orphanet 888, MedGen C0175697, MONDO:0019508.

Submission:

Labcorp Genetics (formerly Invitae), Labcorp
Classification: Pathogenic for Orofacial cleft 6, susceptibility to; Van der Woude syndrome; Popliteal pterygium syndrome. Last evaluated: 2020-06-24. Review status: criteria provided, single submitter. Criteria: Invitae Variant Classification Sherloc (09022015). Collection method: clinical testing. Allele origin: germline.
Comment: This variant has been observed in individual(s) with Van der Woude syndrome (PMID: 12219090). For these reasons, this variant has been classified as Pathogenic. Loss-of-function variants in IRF6 are known to be pathogenic (PMID: 19282774, 23949966). This variant is not present in population databases (ExAC no frequency). This sequence change creates a premature translational stop signal (p.Cys186*) in the IRF6 gene. It is expected to result in an absent or disrupted protein product.

Literature cited by the submitters: PubMed 12219090; PubMed 19282774; PubMed 23949966.

NM_006147.4(IRF6):c.558C>A (p.Cys186Ter)

Gene: IRF6 (interferon regulatory factor 6; minus strand). Cytogenetic location: 1q32.2.
Variant type: single nucleotide variant.
Coding change: c.558C>A on transcript NM_006147.4 (MANE Select); coding-DNA position 558, C replaced by A.
Protein change: p.Cys186Ter; replaces cysteine 186 with a stop codon.
Molecular consequence: nonsense.
Genome position (GRCh38, 1-based): chr1:209,792,378, G>T on the plus strand (C>A on the coding strand, the complement: IRF6 is on the minus strand). VCF-style: chr1-209792378-G-T. GRCh37 (hg19) VCF-style: chr1-209965723-G-T.
Other names: c.273C>A, p.Cys91Ter (NM_001206696.2); short protein forms C186*, C91*.
Identifiers: ClinVar variation 1073005 (VCV001073005.9), dbSNP rs2077874511, ClinGen allele CA344579780.